The following is an entry in ClinVar:

NM_006218.4(PIK3CA):c.992del (p.Asn331fs)

Gene: PIK3CA (phosphatidylinositol-4,5-bisphosphate 3-kinase catalytic subunit alpha; plus strand). Cytogenetic location: 3q26.32.
Variant type: Deletion.
Coding change: c.992del on transcript NM_006218.4 (MANE Select); coding-DNA position 992, one base deleted (A; older notation c.992delA).
Protein change: p.Asn331fs; shifts the reading frame from asparagine 331.
Molecular consequence: frameshift variant.
Genome position (GRCh38, 1-based): chr3:179,203,722, A deleted; the last of 3 consecutive A bases (chr3:179,203,720-179,203,722); deleting any one gives the same sequence. VCF-style (leftmost placement, unchanged base first): chr3-179203719-TA-T. GRCh37 (hg19) VCF-style: chr3-178921507-TA-T.
Other names: c.992delA (NM_006218.4); short protein forms N331fs.
Identifiers: ClinVar variation 3339445 (VCV003339445.1).
Genomic context (GRCh38, chr3:179,203,719, plus strand): 5'-GCATTTCCACAGCTACACCATATATGAATGGAGAAACATCTACAAAATCCCTTTGGGTTA[TA>T]AATAGTGCACTCAGAATAAAAATTCTTTGTGCAACCTACGTGAATGTAAATATTCGAGAC-3'

ClinVar aggregate classification (germline): Uncertain significance (1 of 4 stars; one submission).

Submission:

Women's Health and Genetics/Laboratory Corporation of America, LabCorp
Classification: Uncertain significance. Last evaluated: 2024-07-18. Review status: criteria provided, single submitter. Criteria: LabCorp Variant Classification Summary - May 2015. Collection method: clinical testing. Allele origin: germline.
Comment: Variant summary: PIK3CA c.992delA (p.Asn331IlefsX6) results in a premature termination codon, predicted to cause a truncation of the encoded protein or absence of the protein due to nonsense mediated decay, however the molecular mechanism of disease attributed to PIK3CA is gain-of-function. The variant was absent in 249216 control chromosomes. The available data on variant occurrences in the general population are insufficient to allow any conclusion about variant significance. To our knowledge, no occurrence of c.992delA in individuals affected with PIK3CA-Associated Segmental Overgrowth and no experimental evidence demonstrating its impact on protein function have been reported. No submitters have cited clinical-significance assessments for this variant to ClinVar. Based on the evidence outlined above, the variant was classified as uncertain significance.